The following is an entry in ClinVar:

NM_001182.5(ALDH7A1):c.1287T>C (p.Phe429=)

Gene: ALDH7A1 (aldehyde dehydrogenase 7 family member A1; minus strand). Cytogenetic location: 5q23.2.
Variant type: single nucleotide variant.
Coding change: c.1287T>C on transcript NM_001182.5 (MANE Select); coding-DNA position 1287, T replaced by C.
Protein change: p.Phe429=; no amino-acid change (phenylalanine 429 retained).
Molecular consequence: synonymous variant.
Genome position (GRCh38, 1-based): chr5:126,552,051, A>G on the plus strand (T>C on the coding strand, the complement: ALDH7A1 is on the minus strand). VCF-style: chr5-126552051-A-G. GRCh37 (hg19) VCF-style: chr5-125887743-A-G.
Other names: p.F429F:TTT>TTC; c.1203T>C, p.Phe401= (NM_001201377.2); c.1095T>C, p.Phe365= (NM_001202404.2).
Identifiers: ClinVar variation 136376 (VCV000136376.15), dbSNP rs375030056, ClinGen allele CA289415.

ClinVar aggregate classification (germline): Benign/Likely benign. Review status: criteria provided, multiple submitters, no conflicts (2 of 4 stars). 5 submissions from 5 submitters: Benign (2); Likely benign (2). 1 of the submissions does not count toward it. Last evaluated 2025-11-23.

Conditions:
ALDH7A1-related disorder. Also called: ALDH7A1-related condition.
Pyridoxine-dependent epilepsy (EPEO4). Also called: PYRIDOXINE DEPENDENCY WITH SEIZURES; Pyridoxine-Dependent Epilepsy - ALDH7A1; EPILEPSY, EARLY-ONSET, 4, VITAMIN B6-DEPENDENT; Pyridoxine-Dependent Seizures. Identifiers: Orphanet 3006, MedGen C1849508, MONDO:0009945, OMIM 266100. Disease mechanism: loss of function.

Allele frequency attached by ClinVar (database versions not stated): ExAC 0.00004; gnomAD exomes 0.00004 and 0.00012; TOPMed 0.00004; ESP Exome Variant Server 0.00008; gnomAD 0.00009 and 0.00010.
gnomAD v4.1: 186 of 1,613,774 alleles (0.012%); highest among the groups gnomAD compares: Non-Finnish European, 0.015%; no homozygotes.

Submissions (5):

Labcorp Genetics (formerly Invitae), Labcorp
Classification: Likely benign for Pyridoxine-dependent epilepsy. Last evaluated: 2025-11-23. Review status: criteria provided, single submitter. Criteria: Invitae Variant Classification Sherloc (09022015). Collection method: clinical testing. Allele origin: germline.

Genome-Nilou Lab
Classification: Benign for Pyridoxine-dependent epilepsy. Last evaluated: 2023-04-11. Review status: criteria provided, single submitter. Criteria: ACMG Guidelines, 2015. Collection method: clinical testing. Allele origin: germline. Affected: no.

Blueprint Genetics
Classification: Likely benign. Last evaluated: 2020-03-24. Review status: criteria provided, single submitter. Criteria: ACMG Guidelines, 2015. Collection method: clinical testing. Allele origin: germline.

GeneDx
Classification: Benign. Last evaluated: 2013-11-27. Review status: criteria provided, single submitter. Criteria: GeneDx Variant Classification (06012015). Collection method: clinical testing. Allele origin: germline. Affected: yes.
Comment: This variant is considered likely benign or benign based on one or more of the following criteria: it is a conservative change, it occurs at a poorly conserved position in the protein, it is predicted to be benign by multiple in silico algorithms, and/or has population frequency not consistent with disease.

PreventionGenetics, part of Exact Sciences
Classification: Likely benign for ALDH7A1-related condition. Last evaluated: 2021-03-04. Review status: no assertion criteria provided. Collection method: clinical testing. Allele origin: germline. Not counted in ClinVar's aggregate classification.
Comment: This variant is classified as likely benign based on ACMG/AMP sequence variant interpretation guidelines (Richards et al. 2015 PMID: 25741868, with internal and published modifications).